The following is an entry in ClinVar:

NM_020928.2(ZSWIM6):c.498_503del (p.Thr167_Ser168del)

Gene: ZSWIM6 (zinc finger SWIM-type containing 6; plus strand). Cytogenetic location: 5q12.1.
Variant type: Deletion.
Coding change: c.498_503del on transcript NM_020928.2 (MANE Select); coding-DNA positions 498 to 503, 6 bases deleted (AACCTC; older notation c.498_503delAACCTC).
Protein change: p.Thr167_Ser168del.
Molecular consequence: inframe deletion.
Genome position (GRCh38, 1-based): chr5:61,332,770-61,332,775, AACCTC deleted; deleting any 6 consecutive bases within chr5:61,332,769-61,332,775 gives the same sequence; the c. name uses the placement nearest the transcript's 3' end. VCF-style (leftmost placement, unchanged base first): chr5-61332768-GCAACCT-G. GRCh37 (hg19) VCF-style: chr5-60628595-GCAACCT-G.
Identifiers: ClinVar variation 1899815 (VCV001899815.5), dbSNP rs1290301806, ClinGen allele CA812782108.

ClinVar aggregate classification (germline): Uncertain significance (1 of 4 stars; one submission).

Submission:

Labcorp Genetics (formerly Invitae), Labcorp
Classification: Uncertain significance. Last evaluated: 2021-04-10. Review status: criteria provided, single submitter. Criteria: Invitae Variant Classification Sherloc (09022015). Collection method: clinical testing. Allele origin: germline.
Comment: In summary, the available evidence is currently insufficient to determine the role of this variant in disease. Therefore, it has been classified as a Variant of Uncertain Significance. Experimental studies and prediction algorithms are not available or were not evaluated, and the functional significance of this variant is currently unknown. This variant has not been reported in the literature in individuals with ZSWIM6-related conditions. The frequency data for this variant in the population databases is considered unreliable, as metrics indicate insufficient coverage at this position in the ExAC database. This variant, c.498_503del, results in the deletion of 2 amino acid(s) of the ZSWIM6 protein (p.Thr167_Ser168del), but otherwise preserves the integrity of the reading frame.